The following is an entry in ClinVar:

ClinVar aggregate classification (germline): Uncertain significance. Review status: criteria provided, multiple submitters, no conflicts (2 of 4 stars). 3 submissions from 3 submitters: Uncertain significance (3). Last evaluated 2024-03-08.

Conditions:
Inborn genetic diseases. Identifiers: MedGen C0950123, MeSH D030342.
Fraser syndrome 1 (FRASRS1). Also called: CRYPTOPHTHALMOS WITH OTHER MALFORMATIONS. Identifiers: Orphanet 2052, MedGen C4551480, MONDO:0054737, OMIM 219000.

Allele frequency attached by ClinVar (database versions not stated): gnomAD exomes 0.00003 and 0.00007; 1000 Genomes Project 30x 0.00016; ExAC 0.00016; 1000 Genomes Project 0.00020; gnomAD 0.00025 and 0.00026; TOPMed 0.00028; ESP Exome Variant Server 0.00042.
gnomAD v4.1: 86 of 1,599,714 alleles (0.0054%); highest among the groups gnomAD compares: African/African-American, 0.11%; no homozygotes.

Submissions (3):

Fulgent Genetics
Classification: Uncertain significance for Fraser syndrome 1. Last evaluated: 2024-03-08. Review status: criteria provided, single submitter. Criteria: ACMG Guidelines, 2015. Collection method: clinical testing. Allele origin: germline.

Ambry Genetics
Classification: Uncertain significance for Inborn genetic diseases. Last evaluated: 2024-02-28. Review status: criteria provided, single submitter. Criteria: Ambry Variant Classification Scheme 2023. Collection method: clinical testing. Allele origin: germline.

Labcorp Genetics (formerly Invitae), Labcorp
Classification: Uncertain significance. Last evaluated: 2022-03-23. Review status: criteria provided, single submitter. Criteria: Invitae Variant Classification Sherloc (09022015). Collection method: clinical testing. Allele origin: germline.
Comment: This sequence change replaces threonine, which is neutral and polar, with asparagine, which is neutral and polar, at codon 1661 of the FRAS1 protein (p.Thr1661Asn). This variant is present in population databases (rs373074293, gnomAD 0.1%). This variant has not been reported in the literature in individuals affected with FRAS1-related conditions. Algorithms developed to predict the effect of missense changes on protein structure and function (SIFT, PolyPhen-2, Align-GVGD) all suggest that this variant is likely to be disruptive. In summary, the available evidence is currently insufficient to determine the role of this variant in disease. Therefore, it has been classified as a Variant of Uncertain Significance.

NM_025074.7(FRAS1):c.4982C>A (p.Thr1661Asn)

Gene: FRAS1 (Fraser extracellular matrix complex subunit 1; plus strand). Cytogenetic location: 4q21.21.
Variant type: single nucleotide variant.
Coding change: c.4982C>A on transcript NM_025074.7 (MANE Select); coding-DNA position 4982, C replaced by A.
Protein change: p.Thr1661Asn; replaces threonine 1661 with asparagine.
Molecular consequence: missense variant.
Genome position (GRCh38, 1-based): chr4:78,432,369, C>A. VCF-style: chr4-78432369-C-A. GRCh37 (hg19) VCF-style: chr4-79353523-C-A.
Other names: c.4982C>A, p.Thr1661Asn (NM_001166133.2); c.4982C>A (NM_025074.6); short protein forms T1661N.
Identifiers: ClinVar variation 1352932 (VCV001352932.8), dbSNP rs373074293, ClinGen allele CA2977396.